The following is an entry in ClinVar:

NM_001737.5(C9):c.1336C>T (p.Arg446Ter)

Gene: C9 (complement C9; minus strand). Cytogenetic location: 5p13.1.
Variant type: single nucleotide variant.
Coding change: c.1336C>T on transcript NM_001737.5 (MANE Select); coding-DNA position 1336, C replaced by T.
Protein change: p.Arg446Ter; replaces arginine 446 with a stop codon.
Molecular consequence: nonsense.
Genome position (GRCh38, 1-based): chr5:39,306,697, G>A on the plus strand (C>T on the coding strand, the complement: C9 is on the minus strand). VCF-style: chr5-39306697-G-A. GRCh37 (hg19) VCF-style: chr5-39306799-G-A.
Other names: short protein forms R446*.
Identifiers: ClinVar variation 1385789 (VCV001385789.6), dbSNP rs754943606, ClinGen allele CA117169960.

ClinVar aggregate classification (germline): Pathogenic (1 of 4 stars; one submission).

gnomAD v4.1: 17 of 1,613,024 alleles (0.0011%); highest among the groups gnomAD compares: East Asian, 0.0045%; no homozygotes.

Submission:

Labcorp Genetics (formerly Invitae), Labcorp
Classification: Pathogenic. Last evaluated: 2025-06-09. Review status: criteria provided, single submitter. Criteria: Invitae Variant Classification Sherloc (09022015). Collection method: clinical testing. Allele origin: germline.
Comment: This sequence change creates a premature translational stop signal (p.Arg446*) in the C9 gene. It is expected to result in an absent or disrupted protein product. Loss-of-function variants in C9 are known to be pathogenic (PMID: 9144525, 9570574). This variant is present in population databases (no rsID available, gnomAD 0.008%). This variant has not been reported in the literature in individuals affected with C9-related conditions. ClinVar contains an entry for this variant (Variation ID: 1385789). For these reasons, this variant has been classified as Pathogenic.

Literature cited by the submitters: PubMed 9144525; PubMed 9570574.